The following is an entry in ClinVar:

ClinVar aggregate classification (germline): Uncertain significance (1 of 4 stars; one submission).

Conditions:
Inborn genetic diseases. Identifiers: MedGen C0950123, MeSH D030342.

Allele frequency attached by ClinVar (database versions not stated): gnomAD exomes below 0.00001; TOPMed below 0.00001.
gnomAD v4.1: 1 of 1,614,156 alleles (0.000062%); highest among the groups gnomAD compares: Non-Finnish European, 0.000085%; no homozygotes.

Submission:

Ambry Genetics
Classification: Uncertain significance for Inborn genetic diseases. Last evaluated: 2019-11-01. Review status: criteria provided, single submitter. Criteria: Ambry Variant Classification Scheme 2023. Collection method: clinical testing. Allele origin: germline.
Comment: The p.K203E variant (also known as c.607A>G), located in coding exon 3 of the ADNP gene, results from an A to G substitution at nucleotide position 607. The lysine at codon 203 is replaced by glutamic acid, an amino acid with similar properties. This amino acid position is highly conserved in available vertebrate species. In addition, the in silico prediction for this alteration is inconclusive. Since supporting evidence is limited at this time, the clinical significance of this alteration remains unclear.

NM_001282531.3(ADNP):c.607A>G (p.Lys203Glu)

Gene: ADNP (activity dependent neuroprotector homeobox; minus strand). Cytogenetic location: 20q13.13.
Variant type: single nucleotide variant.
Coding change: c.607A>G on transcript NM_001282531.3 (MANE Select); coding-DNA position 607, A replaced by G.
Protein change: p.Lys203Glu; replaces lysine 203 with glutamic acid.
Molecular consequence: missense variant.
Genome position (GRCh38, 1-based): chr20:50,894,107, T>C on the plus strand (A>G on the coding strand, the complement: ADNP is on the minus strand). VCF-style: chr20-50894107-T-C. GRCh37 (hg19) VCF-style: chr20-49510644-T-C.
Other names: c.607A>G, p.Lys203Glu (NM_001282532.2, NM_001347511.2, NM_015339.5 and 1 more transcripts); short protein forms K203E.
Identifiers: ClinVar variation 1751426 (VCV001751426.2), dbSNP rs1017446010, ClinGen allele CA315258297.